The following is an entry in ClinVar:

ClinVar aggregate classification (germline): Uncertain significance (1 of 4 stars; one submission).

Conditions:
GNAS-related disorder. Identifiers: MedGen CN380105.

Submission:

PreventionGenetics, part of Exact Sciences
Classification: Uncertain significance for GNAS-related condition. Last evaluated: 2025-12-11. Review status: criteria provided, single submitter. Criteria: ACMG Guidelines, 2015. Collection method: clinical testing. Allele origin: germline.
Comment: The GNAS c.785A>C variant is predicted to result in the amino acid substitution p.Gln262Pro. To our knowledge, this variant has not been reported in the literature or in a large population database (gnomAD), indicating this variant is rare. At this time, the clinical significance of this variant is uncertain due to the absence of conclusive functional and genetic evidence.

NM_000516.7(GNAS):c.785A>C (p.Gln262Pro)

Gene: GNAS (GNAS complex locus; plus strand). Cytogenetic location: 20q13.32.
Variant type: single nucleotide variant.
Coding change: c.785A>C on transcript NM_000516.7 (MANE Select); coding-DNA position 785, A replaced by C.
Protein change: p.Gln262Pro; replaces glutamine 262 with proline.
Molecular consequence: missense variant. On other transcripts: 3 prime UTR variant (2).
Genome position (GRCh38, 1-based): chr20:58,909,750, A>C. VCF-style: chr20-58909750-A-C. GRCh37 (hg19) VCF-style: chr20-57484805-A-C.
Other names: c.788A>C, p.Gln263Pro (NM_001077488.5); c.740A>C, p.Gln247Pro (NM_001077489.4); c.*646A>C (NM_001077490.3); c.608A>C, p.Gln203Pro (NM_001309840.2, NM_001309861.2, NM_001438276.1 and 1 more transcripts); c.689A>C, p.Gln230Pro (NM_001410912.1); c.2669A>C, p.Gln890Pro (NM_001410913.1); c.563A>C, p.Gln188Pro (NM_001438273.1, NM_001438274.1, NM_001438275.1); c.*691A>C (NM_016592.5); and 2 more; short protein forms Q247P, Q890P, Q905P, Q203P, Q248P, Q262P, Q188P, Q230P.
Identifiers: ClinVar variation 4995342 (VCV004995342.1).